The following is an entry in ClinVar:

ClinVar aggregate classification (germline): Benign/Likely benign. Review status: criteria provided, multiple submitters, no conflicts (2 of 4 stars). 2 submissions from 2 submitters: Benign (1); Likely benign (1). Last evaluated 2025-08-10.

Conditions:
Kabuki syndrome. Also called: Kabuki make-up syndrome; NIIKAWA-KUROKI SYNDROME. Identifiers: Orphanet 2322, MedGen C0796004, MONDO:0016512.
KMT2D-related disorder. Also called: KMT2D-Related Disorders.

Allele frequency attached by ClinVar (database versions not stated): TOPMed below 0.00001; ExAC 0.00002.
gnomAD v4.1: 5 of 1,573,912 alleles (0.00032%); highest among the groups gnomAD compares: Admixed American, 0.0087%; no homozygotes.

Submissions (2):

PreventionGenetics, part of Exact Sciences
Classification: Likely benign for KMT2D-related condition. Last evaluated: 2025-08-10. Review status: criteria provided, single submitter. Criteria: ACMG Guidelines, 2015. Collection method: clinical testing. Allele origin: germline.
Comment: This variant is classified as likely benign based on ACMG/AMP sequence variant interpretation guidelines (Richards et al. 2015 PMID: 25741868, with internal and published modifications).

Labcorp Genetics (formerly Invitae), Labcorp
Classification: Benign for Kabuki syndrome. Last evaluated: 2025-08-03. Review status: criteria provided, single submitter. Criteria: Invitae Variant Classification Sherloc (09022015). Collection method: clinical testing. Allele origin: germline.

NM_003482.4(KMT2D):c.2043C>G (p.Ser681=)

Gene: KMT2D (lysine methyltransferase 2D; minus strand). Cytogenetic location: 12q13.12.
Variant type: single nucleotide variant.
Coding change: c.2043C>G on transcript NM_003482.4 (MANE Select); coding-DNA position 2043, C replaced by G.
Protein change: p.Ser681=; no amino-acid change (serine 681 retained).
Molecular consequence: synonymous variant.
Genome position (GRCh38, 1-based): chr12:49,051,640, G>C on the plus strand (C>G on the coding strand, the complement: KMT2D is on the minus strand). VCF-style: chr12-49051640-G-C. GRCh37 (hg19) VCF-style: chr12-49445423-G-C.
Identifiers: ClinVar variation 2043095 (VCV002043095.5), dbSNP rs762922149, ClinGen allele CA6548358.
Genomic context (GRCh38, chr12:49,051,640, plus strand): 5'-TGGTGGGGATGTGGGGGAGTCCTCAGGTGGTGGGGAGAGGCGTGAAGCCTCAGGTGGAGG[G>C]GACGTGGGAGACTCCTCAGGCGGTGGGGACAAGGGAGATTCCTCAGGCGGTGGAGACAGG-3'
Protein context (NP_003473.3, residues 671-691): LSPPPEESPT[Ser681=]PPPEASRLSP